The following is an entry in ClinVar:

NM_001164508.2(NEB):c.25161G>A (p.Gln8387=)

Genes: NEB (nebulin; minus strand), RIF1 (replication timing regulatory factor 1; plus strand). Cytogenetic location: 2q23.3.
Variant type: single nucleotide variant.
Coding change: c.25161G>A on transcript NM_001164508.2 (MANE Select); coding-DNA position 25161, G replaced by A.
Protein change: p.Gln8387=; no amino-acid change (glutamine 8387 retained).
Molecular consequence: synonymous variant.
Genome position (GRCh38, 1-based): chr2:151,490,508, C>T on the plus strand (G>A on the coding strand, the complement: NEB is on the minus strand). VCF-style: chr2-151490508-C-T. GRCh37 (hg19) VCF-style: chr2-152347022-C-T.
Other names: c.25161G>A, p.Gln8387= (NM_001164507.2); c.25266G>A, p.Gln8422= (NM_001271208.2); c.19593G>A, p.Gln6531= (NM_004543.5).
Identifiers: ClinVar variation 384490 (VCV000384490.12), dbSNP rs376897146, ClinGen allele CA1905794.

ClinVar aggregate classification (germline): Benign/Likely benign. Review status: criteria provided, multiple submitters, no conflicts (2 of 4 stars). 3 submissions from 3 submitters: Benign (1); Likely benign (2). Last evaluated 2026-04-27.

Conditions:
Nemaline myopathy 2 (NEM2). Also called: Nemaline myopathy 2, autosomal recessive. Identifiers: MedGen C1850569, MONDO:0009725, OMIM 256030.

Allele frequency attached by ClinVar (database versions not stated): ExAC 0.00024; ESP Exome Variant Server 0.00057; gnomAD 0.00072 and 0.00076; TOPMed 0.00074; 1000 Genomes Project 30x 0.00094; 1000 Genomes Project 0.00100.
gnomAD v4.1: 177 of 1,609,088 alleles (0.011%); highest among the groups gnomAD compares: African/African-American, 0.22%; no homozygotes.

Submissions (3):

Women's Health and Genetics/Laboratory Corporation of America, LabCorp
Classification: Likely benign. Last evaluated: 2026-04-27. Review status: criteria provided, single submitter. Criteria: LabCorp Variant Classification Summary - May 2015. Collection method: clinical testing. Allele origin: germline.

Labcorp Genetics (formerly Invitae), Labcorp
Classification: Benign for Nemaline myopathy 2. Last evaluated: 2025-12-24. Review status: criteria provided, single submitter. Criteria: Invitae Variant Classification Sherloc (09022015). Collection method: clinical testing. Allele origin: germline.

GeneDx
Classification: Likely benign. Last evaluated: 2017-12-11. Review status: criteria provided, single submitter. Criteria: GeneDx Variant Classification (06012015). Collection method: clinical testing. Allele origin: germline. Affected: yes.
Comment: This variant is considered likely benign or benign based on one or more of the following criteria: it is a conservative change, it occurs at a poorly conserved position in the protein, it is predicted to be benign by multiple in silico algorithms, and/or has population frequency not consistent with disease.